The following is an entry in ClinVar:

NM_000132.4(F8):c.6077A>G (p.His2026Arg)

Gene: F8 (coagulation factor VIII; minus strand). Cytogenetic location: Xq28.
Variant type: single nucleotide variant.
Coding change: c.6077A>G on transcript NM_000132.4 (MANE Select); coding-DNA position 6077, A replaced by G.
Protein change: p.His2026Arg; replaces histidine 2026 with arginine.
Molecular consequence: missense variant.
Genome position (GRCh38, 1-based): chrX:154,902,089, T>C on the plus strand (A>G on the coding strand, the complement: F8 is on the minus strand). VCF-style: chrX-154902089-T-C. GRCh37 (hg19) VCF-style: chrX-154130364-T-C.
Other names: short protein forms H2026R.
Identifiers: ClinVar variation 2506139 (VCV002506139.1), dbSNP rs1557275988, ClinGen allele CA414904751.

ClinVar aggregate classification (germline): Uncertain significance (1 of 4 stars; one submission).

Allele frequency attached by ClinVar (database versions not stated): gnomAD exomes below 0.00001.
gnomAD v4.1: 3 of 1,210,506 alleles (0.00025%); highest among the groups gnomAD compares: Admixed American, 0.0022%; no homozygotes.

Submission:

Women's Health and Genetics/Laboratory Corporation of America, LabCorp
Classification: Uncertain significance. Last evaluated: 2023-05-17. Review status: criteria provided, single submitter. Criteria: LabCorp Variant Classification Summary - May 2015. Collection method: clinical testing. Allele origin: germline.
Comment: Variant summary: F8 c.6077A>G (p.His2026Arg) results in a non-conservative amino acid change located in the Coagulation factor 5/8 C-terminal domain (IPR000421) of the encoded protein sequence. Three of five in-silico tools predict a benign effect of the variant on protein function. The variant allele was found at a frequency of 5.5e-06 in 183308 control chromosomes (gnomAD). The available data on variant occurrences in the general population are insufficient to allow any conclusion about variant significance. c.6077A>G has been reported in the literature in at least one compound heterozygous female affected with Hemophilia A (Miller_2021). These data do not allow any conclusion about variant significance. To our knowledge, no experimental evidence demonstrating an impact on protein function has been reported. The following publication has been ascertained in the context of this evaluation (PMID: 33314404). No clinical diagnostic laboratories have submitted clinical-significance assessments for this variant to ClinVar after 2014. Based on the evidence outlined above, the variant was classified as uncertain significance.

Literature cited by the submitters: PubMed 33314404.